The following is an entry in ClinVar:

NM_000463.3(UGT1A1):c.1242T>A (p.Asn414Lys)

Genes: UGT1A (UDP glucuronosyltransferase family 1 member A complex locus; plus strand), UGT1A1 (UDP glucuronosyltransferase family 1 member A1; plus strand), UGT1A10 (UDP glucuronosyltransferase family 1 member A10; plus strand), UGT1A3 (UDP glucuronosyltransferase family 1 member A3; plus strand), UGT1A4 (UDP glucuronosyltransferase family 1 member A4; plus strand) and 5 more. Cytogenetic location: 2q37.1.
Variant type: single nucleotide variant.
Coding change: c.1242T>A on transcript NM_000463.3 (MANE Select); coding-DNA position 1242, T replaced by A.
Protein change: p.Asn414Lys; replaces asparagine 414 with lysine.
Molecular consequence: missense variant.
Genome position (GRCh38, 1-based): chr2:233,768,377, T>A. VCF-style: chr2-233768377-T-A. GRCh37 (hg19) VCF-style: chr2-234677023-T-A.
Other names: c.1233T>A, p.Asn411Lys (NM_019075.4, NM_019076.5, NM_019077.3 and 1 more transcripts); c.1245T>A, p.Asn415Lys (NM_007120.3, NM_019093.4, NM_019078.2); c.1239T>A, p.Asn413Lys (NM_001072.4); c.438T>A, p.Asn146Lys (NM_205862.3); short protein forms N146K, N414K, N415K, N413K, N411K.
Identifiers: ClinVar variation 2827280 (VCV002827280.3), dbSNP rs763012065, ClinGen allele CA2180037.
Genomic context (GRCh38, chr2:233,768,377, plus strand): 5'-TGGTGATCAGATGGACAATGCAAAGCGCATGGAGACTAAGGGAGCTGGAGTGACCCTGAA[T>A]GTTCTGGAAATGACTTCTGAAGATTTAGAAAATGCTCTAAAAGCAGTCATCAATGACAAA-3'
Protein context (NP_000454.1, residues 404-424): METKGAGVTL[Asn414Lys]VLEMTSEDLE

ClinVar aggregate classification (germline): Uncertain significance (1 of 4 stars; one submission).

Allele frequency attached by ClinVar (database versions not stated): gnomAD exomes below 0.00001; ExAC 0.00001.
gnomAD v4.1: 1 of 1,614,172 alleles (0.000062%); highest among the groups gnomAD compares: Non-Finnish European, 0.000085%; no homozygotes.

Submission:

Labcorp Genetics (formerly Invitae), Labcorp
Classification: Uncertain significance. Last evaluated: 2024-10-17. Review status: criteria provided, single submitter. Criteria: Invitae Variant Classification Sherloc (09022015). Collection method: clinical testing. Allele origin: germline.
Comment: This sequence change replaces asparagine, which is neutral and polar, with lysine, which is basic and polar, at codon 414 of the UGT1A1 protein (p.Asn414Lys). This variant is not present in population databases (gnomAD no frequency). This variant has not been reported in the literature in individuals affected with UGT1A1-related conditions. Invitae Evidence Modeling of protein sequence and biophysical properties (such as structural, functional, and spatial information, amino acid conservation, physicochemical variation, residue mobility, and thermodynamic stability) indicates that this missense variant is not expected to disrupt UGT1A1 protein function with a negative predictive value of 80%. In summary, the available evidence is currently insufficient to determine the role of this variant in disease. Therefore, it has been classified as a Variant of Uncertain Significance.